The following is an entry in ClinVar:

NM_130837.3(OPA1):c.1442T>G (p.Met481Arg)

Gene: OPA1 (OPA1 mitochondrial dynamin like GTPase; plus strand). Cytogenetic location: 3q29.
Variant type: single nucleotide variant.
Coding change: c.1442T>G on transcript NM_130837.3 (MANE Select); coding-DNA position 1442, T replaced by G.
Protein change: p.Met481Arg; replaces methionine 481 with arginine.
Molecular consequence: missense variant.
Genome position (GRCh38, 1-based): chr3:193,643,592, T>G. VCF-style: chr3-193643592-T-G. GRCh37 (hg19) VCF-style: chr3-193361381-T-G.
Other names: c.908T>G, p.Met303Arg (NM_001354663.2); c.905T>G, p.Met302Arg (NM_001354664.2); c.1277T>G, p.Met426Arg (NM_015560.3); c.1169T>G, p.Met390Arg (NM_130831.3); c.1223T>G, p.Met408Arg (NM_130832.3); c.1280T>G, p.Met427Arg (NM_130833.3); c.1331T>G, p.Met444Arg (NM_130834.3); c.1334T>G, p.Met445Arg (NM_130835.3); and 1 more; short protein forms M303R, M390R, M426R, M427R, M463R, M445R, M302R, M408R.
Identifiers: ClinVar variation 2091171 (VCV002091171.5), dbSNP rs2474874374, ClinGen allele CA355789595.

ClinVar aggregate classification (germline): Likely pathogenic. Review status: criteria provided, single submitter (1 of 4 stars). 2 submissions from 2 submitters: Likely pathogenic (1). 1 of the submissions does not count toward it. Last evaluated 2022-03-01.

Conditions:
Optic atrophy. Identifiers: MedGen C0029124, MONDO:0003608, HP:0000648.

Submissions (2):

Labcorp Genetics (formerly Invitae), Labcorp
Classification: Likely pathogenic. Last evaluated: 2022-03-01. Review status: criteria provided, single submitter. Criteria: Invitae Variant Classification Sherloc (09022015). Collection method: clinical testing. Allele origin: germline.
Comment: In summary, the currently available evidence indicates that the variant is pathogenic, but additional data are needed to prove that conclusively. Therefore, this variant has been classified as Likely Pathogenic. This variant disrupts the p.Met426 amino acid residue in OPA1. Other variant(s) that disrupt this residue have been observed in individuals with OPA1-related conditions (PMID: 33841295, 33884488; Invitae), which suggests that this may be a clinically significant amino acid residue. Advanced modeling of protein sequence and biophysical properties (such as structural, functional, and spatial information, amino acid conservation, physicochemical variation, residue mobility, and thermodynamic stability) performed at Invitae indicates that this missense variant is expected to disrupt OPA1 protein function. This missense change has been observed in individual(s) with autosomal dominant optic atrophy (Invitae). This variant is not present in population databases (gnomAD no frequency). This sequence change replaces methionine, which is neutral and non-polar, with arginine, which is basic and polar, at codon 426 of the OPA1 protein (p.Met426Arg).

Institute of Human Genetics, Univ. Regensburg, Univ. Regensburg
Classification: Likely pathogenic for Optic atrophy. Last evaluated: 2019-01-01. Review status: no assertion criteria provided. Criteria: ACMG Guidelines, 2015. Collection method: clinical testing. Allele origin: germline. Affected: yes. Not counted in ClinVar's aggregate classification.

Literature cited by the submitters: PubMed 33841295 (cited by Labcorp Genetics (formerly Invitae), Labcorp); PubMed 33884488 (cited by Labcorp Genetics (formerly Invitae), Labcorp).